The following is an entry in ClinVar:

ClinVar aggregate classification (germline): Uncertain significance. Review status: criteria provided, multiple submitters, no conflicts (2 of 4 stars). 2 submissions from 2 submitters: Uncertain significance (2). Last evaluated 2025-05-19.

Conditions:
Treacher Collins syndrome 1 (TCS1). Also called: TCOF1-Related Treacher Collins Syndrome. Identifiers: Orphanet 861, MedGen CN315775, MONDO:0007944, OMIM 154500.
Inborn genetic diseases. Identifiers: MedGen C0950123, MeSH D030342.

Allele frequency attached by ClinVar (database versions not stated): ExAC 0.00001; gnomAD 0.00001; gnomAD exomes 0.00002.
gnomAD v4.1: 12 of 1,614,070 alleles (0.00074%); highest among the groups gnomAD compares: South Asian, 0.013%; no homozygotes.

Submissions (2):

Ambry Genetics
Classification: Uncertain significance for Inborn genetic diseases. Last evaluated: 2025-05-19. Review status: criteria provided, single submitter. Criteria: Ambry Variant Classification Scheme 2023. Collection method: clinical testing. Allele origin: germline.

Labcorp Genetics (formerly Invitae), Labcorp
Classification: Uncertain significance for Treacher Collins syndrome 1. Last evaluated: 2024-02-24. Review status: criteria provided, single submitter. Criteria: Invitae Variant Classification Sherloc (09022015). Collection method: clinical testing. Allele origin: germline.
Comment: This sequence change replaces glutamic acid, which is acidic and polar, with lysine, which is basic and polar, at codon 551 of the TCOF1 protein (p.Glu551Lys). This variant is present in population databases (rs768127692, gnomAD 0.02%). This variant has not been reported in the literature in individuals affected with TCOF1-related conditions. ClinVar contains an entry for this variant (Variation ID: 1353397). Advanced modeling of protein sequence and biophysical properties (such as structural, functional, and spatial information, amino acid conservation, physicochemical variation, residue mobility, and thermodynamic stability) has been performed at Invitae for this missense variant, however the output from this modeling did not meet the statistical confidence thresholds required to predict the impact of this variant on TCOF1 protein function. In summary, the available evidence is currently insufficient to determine the role of this variant in disease. Therefore, it has been classified as a Variant of Uncertain Significance.

NM_001371623.1(TCOF1):c.1651G>A (p.Glu551Lys)

Gene: TCOF1 (treacle ribosome biogenesis factor 1; plus strand). Cytogenetic location: 5q32.
Variant type: single nucleotide variant.
Coding change: c.1651G>A on transcript NM_001371623.1 (MANE Select); coding-DNA position 1651, G replaced by A.
Protein change: p.Glu551Lys; replaces glutamic acid 551 with lysine.
Molecular consequence: missense variant.
Genome position (GRCh38, 1-based): chr5:150,375,501, G>A. VCF-style: chr5-150375501-G-A. GRCh37 (hg19) VCF-style: chr5-149755064-G-A.
Other names: c.1651G>A (NM_001135243.1); c.1420G>A, p.Glu474Lys (NM_000356.4, NM_001135245.2); c.1651G>A, p.Glu551Lys (NM_001008657.3, NM_001135243.2, NM_001135244.2 and 1 more transcripts); short protein forms E551K, E474K.
Identifiers: ClinVar variation 1353397 (VCV001353397.7), dbSNP rs768127692, ClinGen allele CA3510936.